The following is an entry in ClinVar:

ClinVar aggregate classification (germline): Conflicting classifications of pathogenicity. Review status: criteria provided, conflicting classifications (1 of 4 stars). 2 submissions from 2 submitters: Uncertain significance (1); Likely benign (1). Last evaluated 2025-03-27.

Conditions:
Inborn genetic diseases. Identifiers: MedGen C0950123, MeSH D030342.

Allele frequency attached by ClinVar (database versions not stated): ExAC 0.00002; gnomAD 0.00002; gnomAD exomes 0.00002 and 0.00003; TOPMed 0.00004.

Submissions (2):

Labcorp Genetics (formerly Invitae), Labcorp
Classification: Uncertain significance. Last evaluated: 2025-03-27. Review status: criteria provided, single submitter. Criteria: Invitae Variant Classification Sherloc (09022015). Collection method: clinical testing. Allele origin: germline.
Comment: This sequence change replaces isoleucine, which is neutral and non-polar, with valine, which is neutral and non-polar, at codon 45 of the GPD1 protein (p.Ile45Val). The frequency data for this variant in the population databases is considered unreliable, as metrics indicate poor data quality at this position in the gnomAD database. This variant has not been reported in the literature in individuals affected with GPD1-related conditions. ClinVar contains an entry for this variant (Variation ID: 1368236). An algorithm developed to predict the effect of missense changes on protein structure and function outputs the following: PolyPhen-2: "Benign". The valine amino acid residue is found in multiple mammalian species, which suggests that this missense change does not adversely affect protein function. In summary, the available evidence is currently insufficient to determine the role of this variant in disease. Therefore, it has been classified as a Variant of Uncertain Significance.

Ambry Genetics
Classification: Likely benign for Inborn genetic diseases. Last evaluated: 2021-06-18. Review status: criteria provided, single submitter. Criteria: Ambry Variant Classification Scheme 2023. Collection method: clinical testing. Allele origin: germline.

NM_005276.4(GPD1):c.133A>G (p.Ile45Val)

Gene: GPD1 (glycerol-3-phosphate dehydrogenase 1; plus strand). Cytogenetic location: 12q13.12.
Variant type: single nucleotide variant.
Coding change: c.133A>G on transcript NM_005276.4 (MANE Select); coding-DNA position 133, A replaced by G.
Protein change: p.Ile45Val; replaces isoleucine 45 with valine.
Molecular consequence: missense variant.
Genome position (GRCh38, 1-based): chr12:50,104,665, A>G. VCF-style: chr12-50104665-A-G. GRCh37 (hg19) VCF-style: chr12-50498448-A-G.
Other names: c.133A>G (NM_005276.2); c.133A>G, p.Ile45Val (NM_001257199.2); short protein forms I45V.
Identifiers: ClinVar variation 1368236 (VCV001368236.7), dbSNP rs749012180, ClinGen allele CA6561452.
Genomic context (GRCh38, chr12:50,104,665, plus strand): 5'-AATGCAGCCCAGCTGGCACAGTTTGACCCACGGGTGACCATGTGGGTATTTGAGGAAGAC[A>G]TTGGAGGCAAAAAGCTGACTGAGATCATCAACACGCAGCATGAGAATGTCAAATACCTGC-3'
Protein context (NP_005267.2, residues 35-55): RVTMWVFEED[Ile45Val]GGKKLTEIIN